The following is an entry in ClinVar:

ClinVar aggregate classification (germline): Pathogenic (1 of 4 stars; one submission).

Conditions:
Landau-Kleffner syndrome (FESD). Also called: EPILEPSY, FOCAL, WITH SPEECH DISORDER AND WITH OR WITHOUT MENTAL RETARDATION; APHASIA, ACQUIRED, WITH EPILEPSY. Identifiers: Orphanet 1945, Orphanet 725, Orphanet 98818, MedGen C0282512, MONDO:0009509, OMIM 245570.

Submission:

Labcorp Genetics (formerly Invitae), Labcorp
Classification: Pathogenic for Landau-Kleffner syndrome. Last evaluated: 2025-03-16. Review status: criteria provided, single submitter. Criteria: Invitae Variant Classification Sherloc (09022015). Collection method: clinical testing. Allele origin: germline.
Comment: This sequence change creates a premature translational stop signal (p.Lys1194Argfs*8) in the GRIN2A gene. While this is not anticipated to result in nonsense mediated decay, it is expected to disrupt the last 271 amino acid(s) of the GRIN2A protein. This variant is not present in population databases (gnomAD no frequency). This variant has not been reported in the literature in individuals affected with GRIN2A-related conditions. This variant disrupts a region of the GRIN2A protein in which other variant(s) (p.Trp1271*) have been determined to be pathogenic (PMID: 29961510). This suggests that this is a clinically significant region of the protein, and that variants that disrupt it are likely to be disease-causing. For these reasons, this variant has been classified as Pathogenic.

Literature cited by the submitters: PubMed 29961510.

NM_001134407.3(GRIN2A):c.3581_3582del (p.Lys1194fs)

Gene: GRIN2A (glutamate ionotropic receptor NMDA type subunit 2A; minus strand). Cytogenetic location: 16p13.2.
Variant type: Deletion.
Coding change: c.3581_3582del on transcript NM_001134407.3 (MANE Select); coding-DNA positions 3581 to 3582, 2 bases deleted (AA; older notation c.3581_3582delAA).
Protein change: p.Lys1194fs; shifts the reading frame from lysine 1194.
Molecular consequence: frameshift variant.
Genome position (GRCh38, 1-based): chr16:9,763,962-9,763,963, TT deleted on the plus strand (AA on the coding strand, the reverse complement: GRIN2A is on the minus strand); deleting any 2 consecutive bases within chr16:9,763,962-9,763,964 gives the same sequence; the c. name uses the placement nearest the transcript's 3' end. VCF-style (leftmost placement, unchanged base first): chr16-9763961-CTT-C. GRCh37 (hg19) VCF-style: chr16-9857818-CTT-C.
Other names: c.3581_3582del, p.Lys1194fs (NM_000833.5, NM_001134408.2); short protein forms K1194fs.
Identifiers: ClinVar variation 4715164 (VCV004715164.1).